The following is an entry in ClinVar:

ClinVar aggregate classification (germline): Likely benign (0 of 4 stars; one submission).

Conditions:
PKD1-related disorder. Also called: PKD1-related condition.

Allele frequency attached by ClinVar (database versions not stated): TOPMed 0.00004; gnomAD 0.00010; gnomAD exomes 0.00017; 1000 Genomes Project 0.00140; 1000 Genomes Project 30x 0.00156; ExAC 0.00183.
gnomAD v4.1: 245 of 1,559,904 alleles (0.016%); highest among the groups gnomAD compares: South Asian, 0.25%; 3 homozygotes.

Submission:

PreventionGenetics, part of Exact Sciences
Classification: Likely benign for PKD1-related condition. Last evaluated: 2023-12-07. Review status: no assertion criteria provided. Collection method: clinical testing. Allele origin: germline.
Comment: This variant is classified as likely benign based on ACMG/AMP sequence variant interpretation guidelines (Richards et al. 2015 PMID: 25741868, with internal and published modifications).

NM_001009944.3(PKD1):c.410C>T (p.Pro137Leu)

Gene: PKD1 (polycystin 1, transient receptor potential channel interacting; minus strand). Cytogenetic location: 16p13.3.
Variant type: single nucleotide variant.
Coding change: c.410C>T on transcript NM_001009944.3 (MANE Select); coding-DNA position 410, C replaced by T.
Protein change: p.Pro137Leu; replaces proline 137 with leucine.
Molecular consequence: missense variant.
Genome position (GRCh38, 1-based): chr16:2,118,795, G>A on the plus strand (C>T on the coding strand, the complement: PKD1 is on the minus strand). VCF-style: chr16-2118795-G-A. GRCh37 (hg19) VCF-style: chr16-2168796-G-A.
Other names: c.410C>T, p.Pro137Leu (NM_000296.4); short protein forms P137L.
Identifiers: ClinVar variation 3057715 (VCV003057715.2), dbSNP rs531501851, ClinGen allele CA7833711.